The following is an entry in ClinVar:

ClinVar aggregate classification (germline): Likely pathogenic (1 of 4 stars; one submission).

Conditions:
Inborn genetic diseases. Identifiers: MedGen C0950123, MeSH D030342.

Submission:

Ambry Genetics
Classification: Likely pathogenic for Inborn genetic diseases. Last evaluated: 2025-09-09. Review status: criteria provided, single submitter. Criteria: Ambry Variant Classification Scheme 2023. Collection method: clinical testing. Allele origin: germline.
Comment: The c.860A>T (p.D287V) alteration is located in exon 9 (coding exon 7) of the TBL1XR1 gene. This alteration results from an A to T substitution at nucleotide position 860, causing the aspartic acid (D) at amino acid position 287 to be replaced by a valine (V). for TBL1XR1-related neurodevelopmental disorder; however, its clinical significance for Pierpont syndrome is uncertain. This variant was not reported in population-based cohorts in the Genome Aggregation Database (gnomAD). This amino acid position is highly conserved in available vertebrate species. This missense alteration is located in a region that has a low rate of benign missense variation (Lek, 2016; Firth, 2009). This alteration is predicted to be deleterious by in silico analysis. Based on the available evidence, this alteration is classified as likely pathogenic.

NM_024665.7(TBL1XR1):c.860A>T (p.Asp287Val)

Genes: TBL1XR1 (TBL1X/Y related 1; minus strand), TBL1XR1-AS1 (TBL1XR1 antisense RNA 1; plus strand). Cytogenetic location: 3q26.32.
Variant type: single nucleotide variant.
Coding change: c.860A>T on transcript NM_024665.7 (MANE Select); coding-DNA position 860, A replaced by T.
Protein change: p.Asp287Val; replaces aspartic acid 287 with valine.
Molecular consequence: missense variant.
Genome position (GRCh38, 1-based): chr3:177,047,304, T>A on the plus strand (A>T on the coding strand, the complement: TBL1XR1 is on the minus strand). VCF-style: chr3-177047304-T-A. GRCh37 (hg19) VCF-style: chr3-176765092-T-A.
Other names: c.860A>T, p.Asp287Val (NM_001321193.3, NM_001321194.3, NM_001374327.1 and 2 more transcripts); c.599A>T, p.Asp200Val (NM_001321195.3, NM_001374330.1); short protein forms D200V, D287V.
Identifiers: ClinVar variation 4181126 (VCV004181126.1).